The following is an entry in ClinVar:

ClinVar aggregate classification (germline): Pathogenic (1 of 4 stars; one submission).

Conditions:
Hereditary breast ovarian cancer syndrome. Also called: Hereditary breast and ovarian cancer syndrome; Hereditary breast and/or ovarian cancer syndrome; Hereditary breast and ovarian cancer syndrome (HBOC); Breast and ovarian cancer; BRCA1- and BRCA2-Associated Hereditary Breast and Ovarian Cancer; Hereditary breast and ovarian cancer. Identifiers: Orphanet 145, MedGen C0677776, MeSH D061325, MONDO:0003582. Disease mechanism: loss of function.

Submission:

Labcorp Genetics (formerly Invitae), Labcorp
Classification: Pathogenic for Hereditary breast ovarian cancer syndrome. Last evaluated: 2022-10-27. Review status: criteria provided, single submitter. Criteria: Invitae Variant Classification Sherloc (09022015). Collection method: clinical testing. Allele origin: germline.
Comment: This variant is a gross deletion of the genomic region encompassing exon(s) 19 of the BRCA1 gene. This variant would be expected to be in-frame, preserving the integrity of the reading frame. A similar copy number variant has been observed in individual(s) with breast and ovarian cancer (PMID: 20232141, 23479189, 24522996). This variant is also known as deletion of exon 20 by alternative exon numbering. This variant disrupts the p.Gly1738 amino acid residue in BRCA1. Other variant(s) that disrupt this residue have been determined to be pathogenic (PMID: 10811118, 11157798, 17902052, 20516115). This suggests that this residue is clinically significant, and that variants that disrupt this residue are likely to be disease-causing. For these reasons, this variant has been classified as Pathogenic.

Literature cited by the submitters: PubMed 20232141; PubMed 23479189; PubMed 24522996; PubMed 10811118; PubMed 11157798; PubMed 17902052; PubMed 20516115.

NC_000017.11:g.(?_43057032)_(43057155_?)del

Gene: BRCA1 (BRCA1 DNA repair associated; minus strand). Cytogenetic location: 17q21.31.
Variant type: Deletion.
Identifiers: ClinVar variation 583620 (VCV000583620.4).